The following is an entry in ClinVar:

ClinVar aggregate classification (germline): Uncertain significance. Review status: criteria provided, multiple submitters, no conflicts (2 of 4 stars). 2 submissions from 2 submitters: Uncertain significance (2). Last evaluated 2022-12-13.

Conditions:
Erythrocytosis, familial, 3 (ECYT3). Identifiers: Orphanet 247511, MedGen C1853286, MONDO:0012353, OMIM 609820.

Allele frequency attached by ClinVar (database versions not stated): gnomAD exomes below 0.00001.
gnomAD v4.1: 4 of 1,600,582 alleles (0.00025%); highest among the groups gnomAD compares: Non-Finnish European, 0.00026%; no homozygotes.

Submissions (2):

Ambry Genetics
Classification: Uncertain significance. Last evaluated: 2022-12-13. Review status: criteria provided, single submitter. Criteria: Ambry Variant Classification Scheme 2023. Collection method: clinical testing. Allele origin: germline.

Labcorp Genetics (formerly Invitae), Labcorp
Classification: Uncertain significance for Erythrocytosis, familial, 3. Last evaluated: 2021-08-31. Review status: criteria provided, single submitter. Criteria: Invitae Variant Classification Sherloc (09022015). Collection method: clinical testing. Allele origin: germline.
Comment: Algorithms developed to predict the effect of missense changes on protein structure and function (SIFT, PolyPhen-2, Align-GVGD) all suggest that this variant is likely to be tolerated. This variant has not been reported in the literature in individuals affected with EGLN1-related conditions. This variant is not present in population databases (ExAC no frequency). This sequence change replaces proline with threonine at codon 164 of the EGLN1 protein (p.Pro164Thr). The proline residue is moderately conserved and there is a small physicochemical difference between proline and threonine. In summary, the available evidence is currently insufficient to determine the role of this variant in disease. Therefore, it has been classified as a Variant of Uncertain Significance.

NM_022051.3(EGLN1):c.490C>A (p.Pro164Thr)

Gene: EGLN1 (egl-9 family hypoxia inducible factor 1; minus strand). Cytogenetic location: 1q42.2.
Variant type: single nucleotide variant.
Coding change: c.490C>A on transcript NM_022051.3 (MANE Select); coding-DNA position 490, C replaced by A.
Protein change: p.Pro164Thr; replaces proline 164 with threonine.
Molecular consequence: missense variant.
Genome position (GRCh38, 1-based): chr1:231,421,399, G>T on the plus strand (C>A on the coding strand, the complement: EGLN1 is on the minus strand). VCF-style: chr1-231421399-G-T. GRCh37 (hg19) VCF-style: chr1-231557145-G-T.
Other names: c.490C>A, p.Pro164Thr (NM_001377260.1, NM_001377261.1); c.490C>A (NM_022051.2); short protein forms P164T.
Identifiers: ClinVar variation 1384202 (VCV001384202.7), dbSNP rs1407678909, ClinGen allele CA345236801.
Genomic context (GRCh38, chr1:231,421,399, plus strand): 5'-GCCCGTTGGGCCGCAGGCCGCCGCCGGGGCTCAGCGCATCCCCGGGCGTGTTGCTTGGGG[G>T]GTACAGGTTCGCCTTCTCCTGGAACAGCGATGAGCGGGCCGGCGGCTCCTCCTTGCCGGG-3'
Protein context (NP_071334.1, residues 154-174): SLFQEKANLY[Pro164Thr]PSNTPGDALS